The following is an entry in ClinVar:

ClinVar aggregate classification (germline): Pathogenic. Review status: criteria provided, multiple submitters, no conflicts (2 of 4 stars). 3 submissions from 3 submitters: Pathogenic (3). Last evaluated 2023-08-16.

Conditions:
Severe intellectual disability-poor language-strabismus-grimacing face-long fingers syndrome (GAND). Also called: GAND SYNDROME. Identifiers: Orphanet 363686, MedGen C3554448, MONDO:0014034, OMIM 615074.
Inborn genetic diseases. Identifiers: MedGen C0950123, MeSH D030342.

Submissions (3):

GeneDx
Classification: Pathogenic. Last evaluated: 2023-08-16. Review status: criteria provided, single submitter. Criteria: GeneDx Variant Classification Process June 2021. Collection method: clinical testing. Allele origin: germline. Affected: yes.
Comment: Apparently de novo in a patient with GATAD2B-associated neurodevelopmental disorder and apparently de novo in another patient from a cohort of individuals with neurodevelopmental disorders (Shieh et al., 2020; Zhang et al., 2021); Not observed at significant frequency in large population cohorts (gnomAD); Nonsense variant predicted to result in protein truncation or nonsense mediated decay in a gene for which loss-of-function is a known mechanism of disease; This variant is associated with the following publications: (PMID: 34328347, 33860439, 31949314)

Genome-Nilou Lab
Classification: Pathogenic for Severe intellectual disability-poor language-strabismus-grimacing face-long fingers syndrome. Last evaluated: 2023-04-11. Review status: criteria provided, single submitter. Criteria: ACMG Guidelines, 2015. Collection method: clinical testing. Allele origin: germline. Affected: no.

Ambry Genetics
Classification: Pathogenic for Inborn genetic diseases. Last evaluated: 2018-04-11. Review status: criteria provided, single submitter. Criteria: Ambry exome assertion method (8-5-2015). Collection method: clinical testing. Allele origin: germline. Affected: yes. Observed: 1 variant allele.

NM_020699.4(GATAD2B):c.520C>T (p.Arg174Ter)

Gene: GATAD2B (GATA zinc finger domain containing 2B; minus strand). Cytogenetic location: 1q21.3.
Variant type: single nucleotide variant.
Coding change: c.520C>T on transcript NM_020699.4 (MANE Select); coding-DNA position 520, C replaced by T.
Protein change: p.Arg174Ter; replaces arginine 174 with a stop codon.
Molecular consequence: nonsense.
Genome position (GRCh38, 1-based): chr1:153,818,868, G>A on the plus strand (C>T on the coding strand, the complement: GATAD2B is on the minus strand). VCF-style: chr1-153818868-G-A. GRCh37 (hg19) VCF-style: chr1-153791344-G-A.
Other names: short protein forms R174*.
Identifiers: ClinVar variation 985680 (VCV000985680.5), dbSNP rs1674577139, ClinGen allele CA342532992.
Genomic context (GRCh38, chr1:153,818,868, plus strand): 5'-CTTTCTGTAGCTGACTCTGTCTCAGTTTCTTTAACAGGACCAGTCGGGCTTCTTCCAATC[G>A]TAGCTCATCCCTCAGCTGCTTGATAAGCTGCTGCCGCTCCTCAATGCCTTTCCCCTAAGG-3'